The following is an entry in ClinVar:

ClinVar aggregate classification (germline): Uncertain significance (1 of 4 stars; one submission).

gnomAD v4.1: 66 of 1,550,252 alleles (0.0043%); highest among the groups gnomAD compares: Non-Finnish European, 0.0052%; no homozygotes.

Submission:

GeneDx
Classification: Uncertain significance. Last evaluated: 2026-09-23. Review status: criteria provided, single submitter. Criteria: GeneDx Variant Classification Process June 2021. Collection method: clinical testing. Allele origin: germline.
Comment: Not observed at significant frequency in large population cohorts (gnomAD); In silico analysis supports that this missense variant has a deleterious effect on protein structure/function; Has not been previously published as pathogenic or benign to our knowledge

NM_001163809.2(WDR81):c.1615C>T (p.Arg539Trp)

Gene: WDR81 (WD repeat domain 81; plus strand). Cytogenetic location: 17p13.3.
Variant type: single nucleotide variant.
Coding change: c.1615C>T on transcript NM_001163809.2 (MANE Select); coding-DNA position 1615, C replaced by T.
Protein change: p.Arg539Trp; replaces arginine 539 with tryptophan.
Molecular consequence: missense variant. On other transcripts: intron variant (3).
Genome position (GRCh38, 1-based): chr17:1,726,574, C>T. VCF-style: chr17-1726574-C-T. GRCh37 (hg19) VCF-style: chr17-1629868-C-T.
Other names: c.-123-1416C>T (NM_152348.4); c.59-3806C>T (NM_001163673.2); c.-15+1788C>T (NM_001163811.2); short protein forms R539W.
Identifiers: ClinVar variation 3343669 (VCV003343669.2).
Genomic context (GRCh38, chr17:1,726,574, plus strand): 5'-AGCTCCAGCCAGGAGTTCGTAGCTGCCCACCGAGCCCTGCTGGAGAGCCGCGAGGTATCC[C>T]GGGACCTGCACCATTGGATCGACCTCACGTTTGGCTATAAACTCCAGGGTAAGGAGGCTG-3'
Protein context (NP_001157281.1, residues 529-549): RALLESREVS[Arg539Trp]DLHHWIDLTF